The following is an entry in ClinVar:

ClinVar aggregate classification (germline): Uncertain significance (1 of 4 stars; one submission).

Conditions:
Werner syndrome (WRN). Identifiers: Orphanet 902, MedGen C0043119, MONDO:0010196, OMIM 277700.

Submission:

Labcorp Genetics (formerly Invitae), Labcorp
Classification: Uncertain significance for Werner syndrome. Last evaluated: 2023-09-26. Review status: criteria provided, single submitter. Criteria: Invitae Variant Classification Sherloc (09022015). Collection method: clinical testing. Allele origin: germline.
Comment: This variant, c.3721_3723del, results in the deletion of 1 amino acid(s) of the WRN protein (p.Glu1241del), but otherwise preserves the integrity of the reading frame. This variant is not present in population databases (gnomAD no frequency). This variant has not been reported in the literature in individuals affected with WRN-related conditions. ClinVar contains an entry for this variant (Variation ID: 854990). Experimental studies and prediction algorithms are not available or were not evaluated, and the functional significance of this variant is currently unknown. In summary, the available evidence is currently insufficient to determine the role of this variant in disease. Therefore, it has been classified as a Variant of Uncertain Significance.

NM_000553.6(WRN):c.3718GAA[1] (p.Glu1241del)

Gene: WRN (WRN RecQ like helicase; plus strand). Cytogenetic location: 8p12.
Variant type: Microsatellite.
Coding change: c.3718GAA[1] on transcript NM_000553.6 (MANE Select); one copy of the 3-base unit GAA starting at c.3718; the reference has two copies in a row; one copy, 3 bases deleted.
Protein change: p.Glu1241del; deletes glutamic acid 1241.
Molecular consequence: inframe deletion.
Genome position (GRCh38, 1-based): chr8:31,154,657-31,154,659, GAA deleted; deleting any 3 consecutive bases within chr8:31,154,652-31,154,659 gives the same sequence; the position shown is the placement nearest the transcript's 3' end. VCF-style (leftmost placement, unchanged base first): chr8-31154651-CAAG-C. GRCh37 (hg19) VCF-style: chr8-31012167-CAAG-C.
Other names: short protein forms E1241del.
Identifiers: ClinVar variation 854990 (VCV000854990.6), dbSNP rs1803302755, ClinGen allele CA916081506.
Genomic context (GRCh38, chr8:31,154,651, plus strand): 5'-CTGATCATTTGTGCTACATTAAAAATTCTGTAGACAGACCTCTTTTCAAGTACAAAACCT[CAAG>C]AAGAACAGAAGACGAGTCTGGTAGCAAAAAATAAAATATGCACACTTTCACAGTCTATGG-3'